The following is an entry in ClinVar:

ClinVar aggregate classification (germline): Uncertain significance. Review status: criteria provided, multiple submitters, no conflicts (2 of 4 stars). 2 submissions from 2 submitters: Uncertain significance (2). Last evaluated 2022-06-26.

Conditions:
Inborn genetic diseases. Identifiers: MedGen C0950123, MeSH D030342.
Charcot-Marie-Tooth disease axonal type 2C (HMSN2C). Also called: CHARCOT-MARIE-TOOTH DISEASE, AXONAL, AUTOSOMAL DOMINANT, TYPE 2C; Charcot-Marie-Tooth Neuropathy Type 2C; Charcot-Marie-Tooth Disease Type 2, TRPV4-Related (CMT2C). Identifiers: Orphanet 99937, MedGen C1853710, MONDO:0011633, OMIM 606071.

gnomAD v4.1: 2 of 1,612,990 alleles (0.00012%); highest among the groups gnomAD compares: Non-Finnish European, 0.00017%; no homozygotes.

Submissions (2):

Labcorp Genetics (formerly Invitae), Labcorp
Classification: Uncertain significance for Charcot-Marie-Tooth disease axonal type 2C. Last evaluated: 2022-06-26. Review status: criteria provided, single submitter. Criteria: Invitae Variant Classification Sherloc (09022015). Collection method: clinical testing. Allele origin: germline.
Comment: In summary, the available evidence is currently insufficient to determine the role of this variant in disease. Therefore, it has been classified as a Variant of Uncertain Significance. Advanced modeling of protein sequence and biophysical properties (such as structural, functional, and spatial information, amino acid conservation, physicochemical variation, residue mobility, and thermodynamic stability) performed at Invitae indicates that this missense variant is not expected to disrupt TRPV4 protein function. This variant has not been reported in the literature in individuals affected with TRPV4-related conditions. This variant is not present in population databases (gnomAD no frequency). This sequence change replaces valine, which is neutral and non-polar, with leucine, which is neutral and non-polar, at codon 829 of the TRPV4 protein (p.Val829Leu).

Ambry Genetics
Classification: Uncertain significance for Inborn genetic diseases. Last evaluated: 2022-01-04. Review status: criteria provided, single submitter. Criteria: Ambry Variant Classification Scheme 2023. Collection method: clinical testing. Allele origin: germline.
Comment: The p.V829L variant (also known as c.2485G>C), located in coding exon 15 of the TRPV4 gene, results from a G to C substitution at nucleotide position 2485. The valine at codon 829 is replaced by leucine, an amino acid with highly similar properties. This amino acid position is conserved. In addition, the in silico prediction for this alteration is inconclusive. Since supporting evidence is limited at this time, the clinical significance of this alteration remains unclear.

NM_021625.5(TRPV4):c.2485G>C (p.Val829Leu)

Gene: TRPV4 (transient receptor potential cation channel subfamily V member 4; minus strand). Cytogenetic location: 12q24.11.
Variant type: single nucleotide variant.
Coding change: c.2485G>C on transcript NM_021625.5 (MANE Select); coding-DNA position 2485, G replaced by C.
Protein change: p.Val829Leu; replaces valine 829 with leucine.
Molecular consequence: missense variant.
Genome position (GRCh38, 1-based): chr12:109,783,752, C>G on the plus strand (G>C on the coding strand, the complement: TRPV4 is on the minus strand). VCF-style: chr12-109783752-C-G. GRCh37 (hg19) VCF-style: chr12-110221557-C-G.
Other names: c.2344G>C, p.Val782Leu (NM_001177428.2); c.2383G>C, p.Val795Leu (NM_001177431.2); c.2164G>C, p.Val722Leu (NM_001177433.2); c.2305G>C, p.Val769Leu (NM_147204.3); short protein forms V722L, V769L, V782L, V829L, V795L.
Identifiers: ClinVar variation 1791984 (VCV001791984.7), dbSNP rs774612613, ClinGen allele CA386648617.